The following is an entry in ClinVar:

NM_031471.6(FERMT3):c.635G>A (p.Arg212His)

Gene: FERMT3 (FERM domain containing kindlin 3; plus strand). Cytogenetic location: 11q13.1.
Variant type: single nucleotide variant.
Coding change: c.635G>A on transcript NM_031471.6 (MANE Select); coding-DNA position 635, G replaced by A.
Protein change: p.Arg212His; replaces arginine 212 with histidine.
Molecular consequence: missense variant.
Genome position (GRCh38, 1-based): chr11:64,211,395, G>A. VCF-style: chr11-64211395-G-A. GRCh37 (hg19) VCF-style: chr11-63978867-G-A.
Other names: c.635G>A, p.Arg212His (NM_001382361.1, NM_001382362.1, NM_001382448.1 and 1 more transcripts); c.95G>A, p.Arg32His (NM_001382363.1, NM_001382364.1); short protein forms R212H, R32H.
Identifiers: ClinVar variation 864692 (VCV000864692.9), dbSNP rs200467635, ClinGen allele CA6068829.
Genomic context (GRCh38, chr11:64,211,395, plus strand): 5'-AGGCCTGCTACCACATGCTGAGCCGGCCCCAGCCGCCACCCGACCCCCTCCTGCTCCAGC[G>A]TCTGCCACGGCCCAGCTCCCTGTCAGACAAGACCCAGCTCCACAGCAGGTGCACCCAGGA-3'
Protein context (NP_113659.3, residues 202-222): QPPPDPLLLQ[Arg212His]LPRPSSLSDK

ClinVar aggregate classification (germline): Uncertain significance. Review status: criteria provided, multiple submitters, no conflicts (2 of 4 stars). 2 submissions from 2 submitters: Uncertain significance (2). Last evaluated 2025-10-14.

Conditions:
Inborn genetic diseases. Identifiers: MedGen C0950123, MeSH D030342.
Leukocyte adhesion deficiency 3. Also called: Leukocyte adhesion deficiency, type III; INTEGRIN ACTIVATION DEFICIENCY DISEASE; LEUKOCYTE ADHESION DEFICIENCY 1 VARIANT. Identifiers: Orphanet 2968, Orphanet 99844, MedGen C2748536, MONDO:0013016, OMIM 612840.

Allele frequency attached by ClinVar (database versions not stated): gnomAD 0.00015; 1000 Genomes Project 30x 0.00016; ESP Exome Variant Server 0.00015; TOPMed 0.00023; gnomAD exomes 0.00005; ExAC 0.00011; 1000 Genomes Project 0.00020.

Submissions (2):

Ambry Genetics
Classification: Uncertain significance for Inborn genetic diseases. Last evaluated: 2025-10-14. Review status: criteria provided, single submitter. Criteria: Ambry Variant Classification Scheme 2023. Collection method: clinical testing. Allele origin: germline.

Labcorp Genetics (formerly Invitae), Labcorp
Classification: Uncertain significance for Leukocyte adhesion deficiency 3. Last evaluated: 2022-07-12. Review status: criteria provided, single submitter. Criteria: Invitae Variant Classification Sherloc (09022015). Collection method: clinical testing. Allele origin: germline.
Comment: This sequence change replaces arginine, which is basic and polar, with histidine, which is basic and polar, at codon 212 of the FERMT3 protein (p.Arg212His). This variant is present in population databases (rs200467635, gnomAD 0.05%). This variant has not been reported in the literature in individuals affected with FERMT3-related conditions. ClinVar contains an entry for this variant (Variation ID: 864692). Algorithms developed to predict the effect of missense changes on protein structure and function are either unavailable or do not agree on the potential impact of this missense change (SIFT: "Tolerated"; PolyPhen-2: "Possibly Damaging"; Align-GVGD: "Class C0"). In summary, the available evidence is currently insufficient to determine the role of this variant in disease. Therefore, it has been classified as a Variant of Uncertain Significance.